The following is an entry in ClinVar:

ClinVar aggregate classification (germline): Likely benign (1 of 4 stars; one submission).

Allele frequency attached by ClinVar (database versions not stated): gnomAD exomes below 0.00001.
gnomAD v4.1: 2 of 1,613,604 alleles (0.00012%); highest among the groups gnomAD compares: South Asian, 0.0011%; no homozygotes.

Submission:

CeGaT Center for Human Genetics Tuebingen
Classification: Likely benign. Last evaluated: 2022-10-01. Review status: criteria provided, single submitter. Criteria: CeGaT Center For Human Genetics Tuebingen Variant Classification Criteria Version 2. Collection method: clinical testing. Allele origin: germline. Affected: yes. Observed: 1 variant allele.
Comment: SMARCC2: PM2:Supporting, BP4, BP7

NM_001330288.2(SMARCC2):c.1512A>G (p.Leu504=)

Gene: SMARCC2 (SWI/SNF related BAF chromatin remodeling complex subunit C2; minus strand). Cytogenetic location: 12q13.2.
Variant type: single nucleotide variant.
Coding change: c.1512A>G on transcript NM_001330288.2 (MANE Select); coding-DNA position 1512, A replaced by G.
Protein change: p.Leu504=; no amino-acid change (leucine 504 retained).
Molecular consequence: synonymous variant.
Genome position (GRCh38, 1-based): chr12:56,173,834, T>C on the plus strand (A>G on the coding strand, the complement: SMARCC2 is on the minus strand). VCF-style: chr12-56173834-T-C. GRCh37 (hg19) VCF-style: chr12-56567618-T-C.
Other names: c.1512A>G, p.Leu504= (NM_001130420.3, NM_003075.5, NM_139067.4).
Identifiers: ClinVar variation 2643079 (VCV002643079.24), dbSNP rs2540895985, ClinGen allele CA480197938.